The following is an entry in ClinVar:

NM_032608.7(MYO18B):c.1579+2T>C

Gene: MYO18B (myosin XVIIIB; plus strand). Cytogenetic location: 22q12.1.
Variant type: single nucleotide variant.
Coding change: c.1579+2T>C on transcript NM_032608.7 (MANE Select); the canonical splice donor site of the intron after coding-DNA position 1579, T replaced by C.
Molecular consequence: splice donor variant.
Genome position (GRCh38, 1-based): chr22:25,770,178, T>C. VCF-style: chr22-25770178-T-C. GRCh37 (hg19) VCF-style: chr22-26166145-T-C.
Other names: c.1579+2T>C (NM_001318245.2).
Identifiers: ClinVar variation 3916023 (VCV003916023.1).

ClinVar aggregate classification (germline): Likely pathogenic (1 of 4 stars; one submission).

Conditions:
Inborn genetic diseases. Identifiers: MedGen C0950123, MeSH D030342.

Submission:

Ambry Genetics
Classification: Likely pathogenic for Inborn genetic diseases. Last evaluated: 2025-05-21. Review status: criteria provided, single submitter. Criteria: Ambry Variant Classification Scheme 2023. Collection method: clinical testing. Allele origin: germline.
Comment: The c.1579+2T>C intronic variant results from a T to C substitution a T to C substitution two nucleotides after coding exon 4 of the MYO18B gene. Alterations that disrupt the canonical splice site are expected to cause aberrant splicing, resulting in an abnormal protein or a transcript that is subject to nonsense-mediated mRNA decay. This variant was not reported in population-based cohorts in the Genome Aggregation Database (gnomAD). This nucleotide position is highly conserved in available vertebrate species. In silico splice site analysis predicts that this alteration will weaken the native splice donor site. Based on the available evidence, this alteration is classified as likely pathogenic.